The following is an entry in ClinVar:

NM_000065.5(C6):c.487G>A (p.Asp163Asn)

Gene: C6 (complement C6; minus strand). Cytogenetic location: 5p13.1.
Variant type: single nucleotide variant.
Coding change: c.487G>A on transcript NM_000065.5 (MANE Select); coding-DNA position 487, G replaced by A.
Protein change: p.Asp163Asn; replaces aspartic acid 163 with asparagine.
Molecular consequence: missense variant.
Genome position (GRCh38, 1-based): chr5:41,195,892, C>T on the plus strand (G>A on the coding strand, the complement: C6 is on the minus strand). VCF-style: chr5-41195892-C-T. GRCh37 (hg19) VCF-style: chr5-41195994-C-T.
Other names: c.487G>A, p.Asp163Asn (NM_001115131.4); c.487G>A (NM_000065.3); short protein forms D163N.
Identifiers: ClinVar variation 1398544 (VCV001398544.5), dbSNP rs768954711, ClinGen allele CA3252766.

ClinVar aggregate classification (germline): Uncertain significance. Review status: criteria provided, multiple submitters, no conflicts (2 of 4 stars). 2 submissions from 2 submitters: Uncertain significance (2). Last evaluated 2024-04-07.

Allele frequency attached by ClinVar (database versions not stated): gnomAD exomes 0.00001; ExAC 0.00002; gnomAD 0.00003 and 0.00004; TOPMed 0.00003.
gnomAD v4.1: 26 of 1,613,906 alleles (0.0016%); highest among the groups gnomAD compares: African/African-American, 0.0027%; no homozygotes.

Submissions (2):

GeneDx
Classification: Uncertain significance. Last evaluated: 2024-04-07. Review status: criteria provided, single submitter. Criteria: GeneDx Variant Classification Process June 2021. Collection method: clinical testing. Allele origin: germline. Affected: yes.
Comment: In silico analysis supports that this missense variant has a deleterious effect on protein structure/function; Has not been previously published as pathogenic or benign to our knowledge

Labcorp Genetics (formerly Invitae), Labcorp
Classification: Uncertain significance. Last evaluated: 2022-03-07. Review status: criteria provided, single submitter. Criteria: Invitae Variant Classification Sherloc (09022015). Collection method: clinical testing. Allele origin: germline.
Comment: This sequence change replaces aspartic acid, which is acidic and polar, with asparagine, which is neutral and polar, at codon 163 of the C6 protein (p.Asp163Asn). This variant is present in population databases (rs768954711, gnomAD 0.007%). This variant has not been reported in the literature in individuals affected with C6-related conditions. Algorithms developed to predict the effect of missense changes on protein structure and function are either unavailable or do not agree on the potential impact of this missense change (SIFT: "Deleterious"; PolyPhen-2: "Probably Damaging"; Align-GVGD: "Class C0"). In summary, the available evidence is currently insufficient to determine the role of this variant in disease. Therefore, it has been classified as a Variant of Uncertain Significance.